The following is an entry in ClinVar:

NM_007294.4(BRCA1):c.216C>T (p.Ser72=)

Gene: BRCA1 (BRCA1 DNA repair associated; minus strand). Cytogenetic location: 17q21.31.
Variant type: single nucleotide variant.
Coding change: c.216C>T on transcript NM_007294.4 (MANE Select); coding-DNA position 216, C replaced by T.
Protein change: p.Ser72=; no amino-acid change (serine 72 retained).
Molecular consequence: synonymous variant. On other transcripts: 5 prime UTR variant (7), intron variant (2).
Genome position (GRCh38, 1-based): chr17:43,104,953, G>A on the plus strand (C>T on the coding strand, the complement: BRCA1 is on the minus strand). VCF-style: chr17-43104953-G-A. GRCh37 (hg19) VCF-style: chr17-41256970-G-A.
Other names: c.216C>T, p.Ser72= (NM_001408427.1, NM_001408428.1, NM_001408429.1 and 168 more transcripts); c.84C>T, p.Ser28= (NM_001408451.1); c.75C>T, p.Ser25= (NM_001408452.1, NM_001408453.1, NM_001408454.1 and 99 more transcripts); c.138C>T, p.Ser46= (NM_001408474.1, NM_001408475.1, NM_001408476.1 and 21 more transcripts); c.6C>T, p.Ser2= (NM_001408478.1, NM_001408479.1, NM_001408480.1 and 58 more transcripts); c.-166C>T (NM_001408510.1, NM_001408512.1, NM_001407959.1 and 4 more transcripts); c.-218-10093C>T (NM_001407967.1, NM_001407966.1).
Identifiers: ClinVar variation 762118 (VCV000762118.14), dbSNP rs80356967, ClinGen allele CA500127702.
Genomic context (GRCh38, chr17:43,104,953, plus strand): 5'-AGCACAAATGATTTTCAATAGCTCTTCAACAAGTTGACTAAATCTCGTACTTTCTTGTAG[G>A]CTCCTGAAATTAAATTGTTTGAGAAACACACTCAGCAAGTGATTATCAACCTTTTAAGGA-3'
Protein context (NP_009225.1, residues 62-82): PLCKNDITKR[Ser72=]LQESTRFSQL

ClinVar aggregate classification (germline): Likely benign (1 of 4 stars; one submission).

Conditions:
Hereditary breast ovarian cancer syndrome. Also called: BRCA1- and BRCA2-Associated Hereditary Breast and Ovarian Cancer; Hereditary breast and ovarian cancer syndrome (HBOC); Hereditary breast and ovarian cancer syndrome; Breast and ovarian cancer; Hereditary breast and ovarian cancer; Hereditary breast and/or ovarian cancer syndrome. Identifiers: Orphanet 145, MedGen C0677776, MeSH D061325, MONDO:0003582. Disease mechanism: loss of function.

Submissions (2):

Labcorp Genetics (formerly Invitae), Labcorp
Classification: Likely benign for Hereditary breast ovarian cancer syndrome. Last evaluated: 2020-07-12. Review status: criteria provided, single submitter. Criteria: Invitae Variant Classification Sherloc (09022015). Collection method: clinical testing. Allele origin: germline.

Brotman Baty Institute, University of Washington
No classification provided (evidence only). Condition: Breast-ovarian cancer, familial 1. Review status: no classification provided. Collection method: in vitro. Allele origin: not applicable. Functional consequence: functionally_normal. Not counted in ClinVar's aggregate classification.
ClinVar note: "not provided" was previously submitted as the classification for the variant. However, the classification appeared to be based only on an observation of functional data so it was converted to no classification on 2025-07-30.